The following is an entry in ClinVar:

NM_033395.2(CEP295):c.3084A>G (p.Gly1028=)

Gene: CEP295 (centrosomal protein 295; plus strand). Cytogenetic location: 11q21.
Variant type: single nucleotide variant.
Coding change: c.3084A>G on transcript NM_033395.2 (MANE Select); coding-DNA position 3084, A replaced by G.
Protein change: p.Gly1028=; no amino-acid change (glycine 1028 retained).
Molecular consequence: synonymous variant.
Genome position (GRCh38, 1-based): chr11:93,697,996, A>G. VCF-style: chr11-93697996-A-G. GRCh37 (hg19) VCF-style: chr11-93431162-A-G.
Identifiers: ClinVar variation 4533475 (VCV004533475.6).
Genomic context (GRCh38, chr11:93,697,996, plus strand): 5'-ATCTGCTGATACAAAATCTGGAAAAATACAGGAGCAACATTCATCTAAGAGCGAGAAAGG[A>G]CTTGTTTCATGCCAATCTGACATCCCCATATCTCAGGATGGGTCTTTGAGTTTCCTACAG-3'
Protein context (NP_203753.1, residues 1018-1038): QEQHSSKSEK[Gly1028=]LVSCQSDIPI

ClinVar aggregate classification (germline): Benign (1 of 4 stars; one submission).

gnomAD v4.1: 14,524 of 1,551,688 alleles (0.94%); highest among the groups gnomAD compares: Non-Finnish European, 1.2%; 108 homozygotes.

Submission:

CeGaT Center for Human Genetics Tuebingen
Classification: Benign. Last evaluated: 2026-07-01. Review status: criteria provided, single submitter. Criteria: CeGaT Center For Human Genetics Tuebingen Variant Classification Criteria Version 2. Collection method: clinical testing. Allele origin: germline. Affected: yes. Observed: 2 variant alleles.
Comment: CEP295: BP4, BP7, BS1, BS2